The following is an entry in ClinVar:

ClinVar aggregate classification (germline): Likely benign (0 of 4 stars; one submission).

Conditions:
PLXNA3-related disorder. Also called: PLXNA3-related condition.

gnomAD v4.1: 3 of 1,204,364 alleles (0.00025%); highest among the groups gnomAD compares: Middle Eastern, 0.029%; no homozygotes.

Submission:

PreventionGenetics, part of Exact Sciences
Classification: Likely benign for PLXNA3-related condition. Last evaluated: 2023-12-18. Review status: no assertion criteria provided. Collection method: clinical testing. Allele origin: germline.
Comment: This variant is classified as likely benign based on ACMG/AMP sequence variant interpretation guidelines (Richards et al. 2015 PMID: 25741868, with internal and published modifications).

NM_017514.5(PLXNA3):c.2238C>T (p.Asn746=)

Gene: PLXNA3 (plexin A3; plus strand). Cytogenetic location: Xq28.
Variant type: single nucleotide variant.
Coding change: c.2238C>T on transcript NM_017514.5 (MANE Select); coding-DNA position 2238, C replaced by T.
Protein change: p.Asn746=; no amino-acid change (asparagine 746 retained).
Molecular consequence: synonymous variant.
Genome position (GRCh38, 1-based): chrX:154,465,212, C>T. VCF-style: chrX-154465212-C-T. GRCh37 (hg19) VCF-style: chrX-153693555-C-T.
Identifiers: ClinVar variation 3356081 (VCV003356081.1).